The following is an entry in ClinVar:

NM_033118.4(MYLK2):c.1510G>C (p.Glu504Gln)

Gene: MYLK2 (myosin light chain kinase 2; plus strand). Cytogenetic location: 20q11.21.
Variant type: single nucleotide variant.
Coding change: c.1510G>C on transcript NM_033118.4 (MANE Select); coding-DNA position 1510, G replaced by C.
Protein change: p.Glu504Gln; replaces glutamic acid 504 with glutamine.
Molecular consequence: missense variant.
Genome position (GRCh38, 1-based): chr20:31,831,788, G>C. VCF-style: chr20-31831788-G-C. GRCh37 (hg19) VCF-style: chr20-30419591-G-C.
Other names: short protein forms E504Q.
Identifiers: ClinVar variation 1774206 (VCV001774206.5), dbSNP rs564539888, ClinGen allele CA9803243.

ClinVar aggregate classification (germline): Uncertain significance. Review status: criteria provided, multiple submitters, no conflicts (2 of 4 stars). 2 submissions from 2 submitters: Uncertain significance (2). Last evaluated 2025-10-29.

Conditions:
Hypertrophic cardiomyopathy 1 (CMH1). Also called: Familial hypertrophic cardiomyopathy 1; MYH7-Related Familial Hypertrophic Cardiomyopathy. Identifiers: MedGen C3495498, MONDO:0008647, OMIM 192600.

Allele frequency attached by ClinVar (database versions not stated): 1000 Genomes Project 30x 0.00062; 1000 Genomes Project 0.00040; ExAC 0.00002; gnomAD exomes 0.00001; TOPMed 0.00003; gnomAD 0.00006.
gnomAD v4.1: 21 of 1,614,124 alleles (0.0013%); highest among the groups gnomAD compares: African/African-American, 0.013%; no homozygotes.

Submissions (2):

Labcorp Genetics (formerly Invitae), Labcorp
Classification: Uncertain significance for Hypertrophic cardiomyopathy 1. Last evaluated: 2025-10-29. Review status: criteria provided, single submitter. Criteria: Invitae Variant Classification Sherloc (09022015). Collection method: clinical testing. Allele origin: germline.
Comment: This sequence change replaces glutamic acid, which is acidic and polar, with glutamine, which is neutral and polar, at codon 504 of the MYLK2 protein (p.Glu504Gln). This variant is present in population databases (rs564539888, gnomAD 0.02%). This variant has not been reported in the literature in individuals affected with MYLK2-related conditions. ClinVar contains an entry for this variant (Variation ID: 1774206). Invitae Evidence Modeling of protein sequence and biophysical properties (such as structural, functional, and spatial information, amino acid conservation, physicochemical variation, residue mobility, and thermodynamic stability) indicates that this missense variant is not expected to disrupt MYLK2 protein function with a negative predictive value of 80%. In summary, the available evidence is currently insufficient to determine the role of this variant in disease. Therefore, it has been classified as a Variant of Uncertain Significance.

Ambry Genetics
Classification: Uncertain significance. Last evaluated: 2022-02-11. Review status: criteria provided, single submitter. Criteria: Ambry Variant Classification Scheme 2023. Collection method: clinical testing. Allele origin: germline.
Comment: The p.E504Q variant (also known as c.1510G>C), located in coding exon 10 of the MYLK2 gene, results from a G to C substitution at nucleotide position 1510. The glutamic acid at codon 504 is replaced by glutamine, an amino acid with highly similar properties. This amino acid position is conserved. In addition, this alteration is predicted to be tolerated by in silico analysis. Since supporting evidence is limited at this time, the clinical significance of this alteration remains unclear.